The following is an entry in ClinVar:

ClinVar aggregate classification (germline): Uncertain significance (1 of 4 stars; one submission).

Conditions:
Cardiovascular phenotype. Identifiers: MedGen CN230736.

gnomAD v4.1: 1 of 1,613,404 alleles (0.000062%); highest among the groups gnomAD compares: South Asian, 0.0011%; no homozygotes.

Submission:

Ambry Genetics
Classification: Uncertain significance for Cardiovascular phenotype. Last evaluated: 2024-03-17. Review status: criteria provided, single submitter. Criteria: Ambry Variant Classification Scheme 2023. Collection method: clinical testing. Allele origin: germline.
Comment: The p.E623K variant (also known as c.1867G>A), located in coding exon 8 of the AKAP9 gene, results from a G to A substitution at nucleotide position 1867. The glutamic acid at codon 623 is replaced by lysine, an amino acid with similar properties. This amino acid position is conserved. In addition, this alteration is predicted to be tolerated by in silico analysis. Based on the available evidence, the clinical significance of this alteration remains unclear.

NM_005751.5(AKAP9):c.1867G>A (p.Glu623Lys)

Gene: AKAP9 (A-kinase anchoring protein 9; plus strand). Cytogenetic location: 7q21.2.
Variant type: single nucleotide variant.
Coding change: c.1867G>A on transcript NM_005751.5 (MANE Select); coding-DNA position 1867, G replaced by A.
Protein change: p.Glu623Lys; replaces glutamic acid 623 with lysine.
Molecular consequence: missense variant.
Genome position (GRCh38, 1-based): chr7:92,001,784, G>A. VCF-style: chr7-92001784-G-A. GRCh37 (hg19) VCF-style: chr7-91631098-G-A.
Other names: c.1867G>A, p.Glu623Lys (NM_147185.3); short protein forms E623K.
Identifiers: ClinVar variation 3281640 (VCV003281640.1).